The following is an entry in ClinVar:

ClinVar aggregate classification (germline): Uncertain significance. Review status: criteria provided, multiple submitters, no conflicts (2 of 4 stars). 2 submissions from 2 submitters: Uncertain significance (2). Last evaluated 2022-08-09.

Conditions:
Sulfite oxidase deficiency. Also called: Isolated sulfite oxidase deficiency. Identifiers: Orphanet 833, Orphanet 99731, MedGen C0268624, MONDO:0010089, OMIM 272300, HP:0003643.
Inborn genetic diseases. Identifiers: MedGen C0950123, MeSH D030342.

Allele frequency attached by ClinVar (database versions not stated): gnomAD exomes 0.00001 and 0.00003; ExAC 0.00003; TOPMed 0.00008; gnomAD 0.00010; 1000 Genomes Project 30x 0.00016; 1000 Genomes Project 0.00020.

Submissions (2):

Labcorp Genetics (formerly Invitae), Labcorp
Classification: Uncertain significance for Sulfite oxidase deficiency. Last evaluated: 2022-08-09. Review status: criteria provided, single submitter. Criteria: Invitae Variant Classification Sherloc (09022015). Collection method: clinical testing. Allele origin: germline.
Comment: This sequence change replaces arginine, which is basic and polar, with tryptophan, which is neutral and slightly polar, at codon 74 of the SUOX protein (p.Arg74Trp). This variant is present in population databases (rs541589815, gnomAD 0.04%). This variant has not been reported in the literature in individuals affected with SUOX-related conditions. ClinVar contains an entry for this variant (Variation ID: 1449504). Algorithms developed to predict the effect of missense changes on protein structure and function are either unavailable or do not agree on the potential impact of this missense change (SIFT: "Deleterious"; PolyPhen-2: "Benign"; Align-GVGD: "Class C0"). In summary, the available evidence is currently insufficient to determine the role of this variant in disease. Therefore, it has been classified as a Variant of Uncertain Significance.

Ambry Genetics
Classification: Uncertain significance for Inborn genetic diseases. Last evaluated: 2020-12-19. Review status: criteria provided, single submitter. Criteria: Ambry Variant Classification Scheme 2023. Collection method: clinical testing. Allele origin: germline.

NM_001032386.2(SUOX):c.220C>T (p.Arg74Trp)

Gene: SUOX (sulfite oxidase; plus strand). Cytogenetic location: 12q13.2.
Variant type: single nucleotide variant.
Coding change: c.220C>T on transcript NM_001032386.2 (MANE Select); coding-DNA position 220, C replaced by T.
Protein change: p.Arg74Trp; replaces arginine 74 with tryptophan.
Molecular consequence: missense variant.
Genome position (GRCh38, 1-based): chr12:56,002,712, C>T. VCF-style: chr12-56002712-C-T. GRCh37 (hg19) VCF-style: chr12-56396496-C-T.
Other names: c.220C>T (NM_000456.2); c.220C>T, p.Arg74Trp (NM_000456.3, NM_001032387.2); short protein forms R74W.
Identifiers: ClinVar variation 1449504 (VCV001449504.5), dbSNP rs541589815, ClinGen allele CA6620902.